The following is an entry in ClinVar:

ClinVar aggregate classification (germline): Benign. Review status: criteria provided, single submitter (1 of 4 stars). 2 submissions from 1 submitter: Benign (2). Last evaluated 2018-01-13.

Conditions:
Tuberous sclerosis 1 (TSC1). Identifiers: Orphanet 805, MedGen C1854465, MONDO:0008612, OMIM 191100.
Isolated focal cortical dysplasia type II (FCORD2). Also called: CORTICAL DYSPLASIA OF TAYLOR; Focal cortical dysplasia type II. Identifiers: Orphanet 268994, MedGen C1846385, MONDO:0011818, OMIM 607341, HP:0032051.

Allele frequency attached by ClinVar (database versions not stated): 1000 Genomes Project 0.00379; 1000 Genomes Project 30x 0.00437; gnomAD exomes 0.00499; gnomAD 0.00502 and 0.00508; TOPMed 0.00524.
gnomAD v4.1: 1,169 of 233,222 alleles (0.5%); highest among the groups gnomAD compares: Admixed American, 0.76%; 4 homozygotes.

Submissions (2):

Illumina Laboratory Services, Illumina
Classification: Benign for Tuberous sclerosis 1. Last evaluated: 2018-01-13. Review status: criteria provided, single submitter. Criteria: ICSL Variant Classification Criteria 13 December 2019. Collection method: clinical testing. Allele origin: germline.
Comment: This variant was observed in the ICSL laboratory as part of a predisposition screen in an ostensibly healthy population. It had not been previously curated by ICSL or reported in the Human Gene Mutation Database (HGMD: prior to June 1st, 2018), and was therefore a candidate for classification through an automated scoring system. Utilizing variant allele frequency, disease prevalence and penetrance estimates, and inheritance mode, an automated score was calculated to assess if this variant is too frequent to cause the disease. Based on the score and internal cut-off values, a variant classified as benign is not then subjected to further curation. The score for this variant resulted in a classification of benign for this disease.

Illumina Laboratory Services, Illumina
Classification: Benign for Isolated focal cortical dysplasia type II. Last evaluated: 2018-01-13. Review status: criteria provided, single submitter. Criteria: ICSL Variant Classification Criteria 13 December 2019. Collection method: clinical testing. Allele origin: germline.
Comment: the same text as in the submission from Illumina Laboratory Services, Illumina above.

NM_000368.5(TSC1):c.*2872G>A

Gene: TSC1 (TSC complex subunit 1; minus strand). Cytogenetic location: 9q34.13.
Variant type: single nucleotide variant.
Coding change: c.*2872G>A on transcript NM_000368.5 (MANE Select); 2872 bases downstream of the stop codon, G replaced by A.
Molecular consequence: 3 prime UTR variant.
Genome position (GRCh38, 1-based): chr9:132,893,363, C>T on the plus strand (G>A on the coding strand, the complement: TSC1 is on the minus strand). VCF-style: chr9-132893363-C-T. GRCh37 (hg19) VCF-style: chr9-135768750-C-T.
Other names: c.*2872G>A (NM_001162426.2, NM_001162427.2, NM_001362177.2).
Identifiers: ClinVar variation 365435 (VCV000365435.6), dbSNP rs2106345, ClinGen allele CA10629290.